The following is an entry in ClinVar:

ClinVar aggregate classification (germline): Likely pathogenic (1 of 4 stars; one submission).

Conditions:
Dilated cardiomyopathy 1G (CMD1G). Identifiers: Orphanet 154, MedGen C1858763, MONDO:0011400, OMIM 604145.
Autosomal recessive limb-girdle muscular dystrophy type 2J (LGMDR10). Also called: Limb-girdle muscular dystrophy, type 2J; MUSCULAR DYSTROPHY, LIMB-GIRDLE, AUTOSOMAL RECESSIVE 10. Identifiers: Orphanet 140922, MedGen C1837342, MONDO:0012127, OMIM 608807.

Allele frequency attached by ClinVar (database versions not stated): gnomAD exomes 0.00001 and 0.00002; ExAC 0.00002.
gnomAD v4.1: 10 of 1,608,626 alleles (0.00062%); highest among the groups gnomAD compares: Middle Eastern, 0.017%; no homozygotes.

Submission:

Labcorp Genetics (formerly Invitae), Labcorp
Classification: Likely pathogenic for Dilated cardiomyopathy 1G; Autosomal recessive limb-girdle muscular dystrophy type 2J. Last evaluated: 2025-07-02. Review status: criteria provided, single submitter. Criteria: Invitae Variant Classification Sherloc (09022015). Collection method: clinical testing. Allele origin: germline.
Comment: This sequence change affects an acceptor splice site in intron 72 of the TTN gene. It is expected to disrupt RNA splicing and likely results in a truncated or disrupted TTN protein. This variant is present in population databases (rs771575556, gnomAD 0.03%). This variant has not been reported in the literature in individuals affected with TTN-related conditions. ClinVar contains an entry for this variant (Variation ID: 1053732). Algorithms developed to predict the effect of sequence changes on RNA splicing suggest that this variant may disrupt the consensus splice site. This variant is located in the I band of TTN (PMID: 25589632). Truncating variants in this region have been reported in individuals affected with autosomal recessive centronuclear myopathy (PMID: 23975875, internal data). Truncating variants in this region have also been identified in individuals affected with autosomal dominant dilated cardiomyopathy and/or cardio-related conditions (PMID: 27869827, 32964742, internal data). In summary, the currently available evidence indicates that the variant is pathogenic, but additional data are needed to prove that conclusively. Therefore, this variant has been classified as Likely Pathogenic.

Literature cited by the submitters: PubMed 25589632; PubMed 23975875; PubMed 27869827; PubMed 32964742.

NM_001267550.2(TTN):c.21116-1G>A

Genes: TTN (titin; minus strand), LOC126806428 (BRD4-independent group 4 enhancer GRCh37_chr2:179588362-179589561; plus strand). Cytogenetic location: 2q31.2.
Variant type: single nucleotide variant.
Coding change: c.21116-1G>A on transcript NM_001267550.2 (MANE Select); the canonical splice acceptor site of the intron before coding-DNA position 21116, G replaced by A.
Molecular consequence: splice acceptor variant. On other transcripts: intron variant (3).
Genome position (GRCh38, 1-based): chr2:178,724,144, C>T on the plus strand (G>A on the coding strand, the complement: TTN is on the minus strand). VCF-style: chr2-178724144-C-T. GRCh37 (hg19) VCF-style: chr2-179588871-C-T.
Other names: c.17384-1G>A (NM_133378.4); c.20165-1G>A (NM_001256850.1); c.13282+13938G>A (NM_003319.4); c.13858+13938G>A (NM_133437.4); c.13657+13938G>A (NM_133432.3).
Identifiers: ClinVar variation 1053732 (VCV001053732.4), dbSNP rs771575556, ClinGen allele CA2001073.